The following is an entry in ClinVar:

NM_020442.6(VARS2):c.1010C>T (p.Thr337Ile)

Gene: VARS2 (valyl-tRNA synthetase 2, mitochondrial; plus strand). Cytogenetic location: 6p21.33.
Variant type: single nucleotide variant.
Coding change: c.1010C>T on transcript NM_020442.6 (MANE Select); coding-DNA position 1010, C replaced by T.
Protein change: p.Thr337Ile; replaces threonine 337 with isoleucine.
Molecular consequence: missense variant.
Genome position (GRCh38, 1-based): chr6:30,918,851, C>T. VCF-style: chr6-30918851-C-T. GRCh37 (hg19) VCF-style: chr6-30886628-C-T.
Other names: c.1010C>T (NM_020442.5); c.590C>T, p.Thr197Ile (NM_001167733.3); c.1100C>T, p.Thr367Ile (NM_001167734.2); short protein forms T367I, T337I, T197I.
Identifiers: ClinVar variation 141427 (VCV000141427.59), dbSNP rs587777585, ClinGen allele CA215019.

ClinVar aggregate classification (germline): Pathogenic. Review status: criteria provided, multiple submitters, no conflicts (2 of 4 stars). 13 submissions from 13 submitters: Pathogenic (12). 1 of the submissions does not count toward it. Last evaluated 2025-10-07.

Conditions:
Inborn genetic diseases. Identifiers: MedGen C0950123, MeSH D030342.
Combined oxidative phosphorylation defect type 20. Also called: Combined oxidative phosphorylation deficiency 20. Identifiers: Orphanet 420728, MedGen C4014660, MONDO:0014397, OMIM 615917.

Allele frequency attached by ClinVar (database versions not stated): gnomAD 0.00001 and 0.00003; gnomAD exomes 0.00002; ExAC 0.00003; TOPMed 0.00006.

Submissions (13):

Labcorp Genetics (formerly Invitae), Labcorp
Classification: Pathogenic. Last evaluated: 2025-10-07. Review status: criteria provided, single submitter. Criteria: Invitae Variant Classification Sherloc (09022015). Collection method: clinical testing. Allele origin: germline.
Comment: This sequence change replaces threonine, which is neutral and polar, with isoleucine, which is neutral and non-polar, at codon 367 of the VARS2 protein (p.Thr367Ile). This variant is present in population databases (rs587777585, gnomAD 0.009%). This missense change has been observed in individual(s) with clinical features of VARS2-related conditions (PMID: 24827421, 27290639, 27502409, 29314548, 31064326, 31623496). In at least one individual the data is consistent with being in trans (on the opposite chromosome) from a pathogenic variant. ClinVar contains an entry for this variant (Variation ID: 141427). Invitae Evidence Modeling of protein sequence and biophysical properties (such as structural, functional, and spatial information, amino acid conservation, physicochemical variation, residue mobility, and thermodynamic stability) indicates that this missense variant is expected to disrupt VARS2 protein function with a positive predictive value of 80%. Experimental studies have shown that this missense change affects VARS2 function (PMID: 24827421). For these reasons, this variant has been classified as Pathogenic.

First Genomix Gene Laboratory, Genetic Diagnostics Department
Classification: Pathogenic for Combined oxidative phosphorylation defect type 20. Last evaluated: 2025-09-19. Review status: criteria provided, single submitter. Criteria: ACMG Guidelines, 2015. Collection method: clinical testing. Allele origin: germline. Inheritance: Autosomal recessive inheritance. Affected: no. Observed: 1 variant allele.

Ambry Genetics
Classification: Pathogenic for Inborn genetic diseases. Last evaluated: 2025-06-06. Review status: criteria provided, single submitter. Criteria: Ambry Variant Classification Scheme 2023. Collection method: clinical testing. Allele origin: germline.
Comment: The c.1100C>T (p.T367I) alteration is located in exon 11 (coding exon 11) of the VARS2 gene. This alteration results from a C to T substitution at nucleotide position 1100, causing the threonine (T) at amino acid position 367 to be replaced by an isoleucine (I). Based on data from gnomAD, the T allele has an overall frequency of 0.002% (6/246604) total alleles studied. The highest observed frequency was 0.012% (4/34476) of Latino alleles. This variant has been identified in the homozygous state and/or in conjunction with other variant(s) in this same gene in individual(s) with features consistent with mitochondrial valyl-tRNA synthetase deficiency and segregated with disease in at least one family (Bruni, 2018; Diodato, 2014; Baertling, 2017). This amino acid position is highly conserved in available vertebrate species. In an assay testing VARS2 function, this variant showed a functionally abnormal result (Diodato, 2014). This alteration is predicted to be deleterious by in silico analysis. Based on the available evidence, this alteration is classified as pathogenic.

Women's Health and Genetics/Laboratory Corporation of America, LabCorp
Classification: Pathogenic for Combined oxidative phosphorylation defect type 20. Last evaluated: 2023-06-26. Review status: criteria provided, single submitter. Criteria: LabCorp Variant Classification Summary - May 2015. Collection method: clinical testing. Allele origin: germline.
Comment: Variant summary: VARS2 c.1010C>T (p.Thr337Ile) results in a non-conservative amino acid change to a highly conserved residue (HGMD) located in the Aminoacyl-tRNA synthetase, class Ia (IPR002300) of the encoded protein sequence. Five of five in-silico tools predict a damaging effect of the variant on protein function. The variant allele was found at a frequency of 2.4e-05 in 246604 control chromosomes (gnomAD). c.1010C>T has been reported in the literature in multiple individuals affected with mitochondrial disorders (Pronicka_2016, Diodato_2014, Tolomeo_2021, Baertling_2017), including in a compound heterozygous patient with a likely pathogenic variant in trans. These data indicate that the variant is very likely to be associated with disease. At least one publication reports experimental evidence evaluating an impact on protein function in a yeast model, finding that yeast culture carrying the variant in the orthologous residue had a slower growth rate (Diodato_2014). The following publications have been ascertained in the context of this evaluation (PMID: 27290639, 24639874, 34362006, 27502409). Nine submitters have cited clinical-significance assessments for this variant to ClinVar after 2014, and classified it as pathogenic. Based on the evidence outlined above, the variant was classified as pathogenic.

GeneDx
Classification: Pathogenic. Last evaluated: 2023-05-24. Review status: criteria provided, single submitter. Criteria: GeneDx Variant Classification Process June 2021. Collection method: clinical testing. Allele origin: germline. Affected: yes.
Comment: Published functional studies in yeast suggest that T367I could result in an OXPHOS-dependent growth defect, with a slightly lower respiration rate in mutants than in wildtype strain (Diodato et al., 2014); Not observed at significant frequency in large population cohorts (gnomAD); This variant is associated with the following publications: (PMID: 24827421, 29478218, 27502409, 29314548, 30458719, 31623496, 34426522, 27290639, 30925032, 31064326)

Laboratorio de Genetica e Diagnostico Molecular, Hospital Israelita Albert Einstein
Classification: Pathogenic for Combined oxidative phosphorylation defect type 20. Last evaluated: 2022-07-25. Review status: criteria provided, single submitter. Criteria: ACMG Guidelines, 2015. Collection method: clinical testing. Allele origin: germline. Affected: yes. Observed: 1 variant allele.
Comment: ACMG classification criteria: PS3 supporting, PS4 strong, PM2 moderated, PM3 strong, PP3 supporting

Dasa
Classification: Pathogenic for Combined oxidative phosphorylation defect type 20. Last evaluated: 2022-06-10. Review status: criteria provided, single submitter. Criteria: ACMG Guidelines, 2015. Collection method: clinical testing. Allele origin: germline. Affected: yes. Observed: 2 variant alleles.
Comment: The c.1100C>T;p.(Thr367Ile) missense change has been observed in affected individual(s) and ClinVar contains an entry for this variant (ClinVar ID: 141427; PMID: 24827421; 27290639; 27502409; 29314548; 29478218; 30458719; 30925032; 31064326; 31623496) - .PS4.Well-established in vitro or in vivo functional studies supportive of a damaging effect on the gene or gene product (PMID: 24827421) - PS3_supporting. The variant is present at low allele frequencies population databases (rs587777585– gnomAD 0.0002628%; ABraOM no frequency) -PM2_supporting. The p.(Thr367Ile) was detected in trans with a Pathogenic variant (PMID: 29314548; 29478218; 30458719; 31064326; 31623496) - PM3_strong. Multiple lines of computational evidence support a deleterious effect on the gene or gene product - PP3. In summary, the currently available evidence indicates that the variant is Pathogenic

3billion
Classification: Pathogenic for Combined oxidative phosphorylation defect type 20. Last evaluated: 2022-05-22. Review status: criteria provided, single submitter. Criteria: ACMG Guidelines, 2015. Collection method: clinical testing. Allele origin: germline. Affected: yes. Observed: 1 heterozygote.
Comment: The variant is observed at an extremely low frequency in the gnomAD v2.1.1 dataset (total allele frequency: 0.002%). Missense changes are a common disease-causing mechanism. Functional studies provide strong evidence of the variant having a damaging effect on the gene or gene product (PMID:24827421). In silico tool predictions suggest damaging effect of the variant on gene or gene product (REVEL: 0.91; 3Cnet: 0.93). Same nucleotide change resulting in same amino acid change has been previously reported as pathogenic/likely pathogenic with strong evidence (ClinVar ID: VCV000141427). Therefore, this variant is classified as pathogenic according to the recommendation of ACMG/AMP guideline.

MGZ Medical Genetics Center
Classification: Pathogenic for Combined oxidative phosphorylation defect type 20. Last evaluated: 2021-10-22. Review status: criteria provided, single submitter. Criteria: ACMG Guidelines, 2015. Collection method: clinical testing. Allele origin: germline. Affected: yes. Observed: 1 variant allele.
Comment: ACMG criteria applied: PM3_VSTR, PS4_MOD, PM2_SUP, PP3

CeGaT Center for Human Genetics Tuebingen
Classification: Pathogenic. Last evaluated: 2020-02-01. Review status: criteria provided, single submitter. Criteria: CeGaT Center For Human Genetics Tuebingen Variant Classification Criteria Version 2. Collection method: clinical testing. Allele origin: germline. Affected: yes. Observed: 2 variant alleles.

Mendelics
Classification: Pathogenic for Combined oxidative phosphorylation defect type 20. Last evaluated: 2019-05-28. Review status: criteria provided, single submitter. Criteria: Mendelics Assertion Criteria 2017. Collection method: clinical testing. Allele origin: unknown.

Institute of Human Genetics Munich, TUM University Hospital
Classification: Pathogenic for Combined oxidative phosphorylation defect type 20. Last evaluated: 2017-11-16. Review status: criteria provided, single submitter. Criteria: Classification criteria August 2017. Collection method: clinical testing. Allele origin: maternal. Inheritance: Autosomal recessive inheritance. Affected: yes. Observed: 1 compound heterozygote.

OMIM
Classification: Pathogenic for COMBINED OXIDATIVE PHOSPHORYLATION DEFICIENCY 20. Last evaluated: 2014-08-01. Review status: no assertion criteria provided. Collection method: literature only. Allele origin: germline. Not counted in ClinVar's aggregate classification.

Literature cited by the submitters: PubMed 24827421 (cited by 5 submitters); PubMed 27290639 (cited by 3 submitters); PubMed 27502409 (cited by 6 submitters); PubMed 29314548 (cited by 4 submitters); PubMed 31064326 (cited by 3 submitters); PubMed 31623496 (cited by Labcorp Genetics (formerly Invitae), Labcorp and Dasa); PubMed 12345 (cited by Ambry Genetics); PubMed 34362006 (cited by Women's Health and Genetics/Laboratory Corporation of America, LabCorp); PubMed 24639874 (cited by Women's Health and Genetics/Laboratory Corporation of America, LabCorp); PubMed 29478218 (cited by Dasa); PubMed 30458719 (cited by Dasa); PubMed 30925032 (cited by Dasa).